The following is an entry in ClinVar:

NM_004260.4(RECQL4):c.3285G>T (p.Glu1095Asp)

Gene: RECQL4 (RecQ like helicase 4; minus strand). Cytogenetic location: 8q24.3.
Variant type: single nucleotide variant.
Coding change: c.3285G>T on transcript NM_004260.4 (MANE Select); coding-DNA position 3285, G replaced by T.
Protein change: p.Glu1095Asp; replaces glutamic acid 1095 with aspartic acid.
Molecular consequence: missense variant.
Genome position (GRCh38, 1-based): chr8:144,512,019, C>A on the plus strand (G>T on the coding strand, the complement: RECQL4 is on the minus strand). VCF-style: chr8-144512019-C-A. GRCh37 (hg19) VCF-style: chr8-145737402-C-A.
Other names: short protein forms E1095D.
Identifiers: ClinVar variation 1395933 (VCV001395933.6), dbSNP rs2130655535, ClinGen allele CA372668961.

ClinVar aggregate classification (germline): Uncertain significance (1 of 4 stars; one submission).

Conditions:
Baller-Gerold syndrome (BGS). Also called: CRANIOSYNOSTOSIS WITH RADIAL DEFECTS. Identifiers: Orphanet 1225, MedGen C0265308, MONDO:0009039, OMIM 218600.

Submission:

Labcorp Genetics (formerly Invitae), Labcorp
Classification: Uncertain significance for Baller-Gerold syndrome. Last evaluated: 2021-11-30. Review status: criteria provided, single submitter. Criteria: Invitae Variant Classification Sherloc (09022015). Collection method: clinical testing. Allele origin: germline.
Comment: This sequence change replaces glutamic acid, which is acidic and polar, with aspartic acid, which is acidic and polar, at codon 1095 of the RECQL4 protein (p.Glu1095Asp). This variant is not present in population databases (gnomAD no frequency). This variant has not been reported in the literature in individuals affected with RECQL4-related conditions. Experimental studies and prediction algorithms are not available or were not evaluated, and the functional significance of this variant is currently unknown. In summary, the available evidence is currently insufficient to determine the role of this variant in disease. Therefore, it has been classified as a Variant of Uncertain Significance.